The following is an entry in ClinVar:

NM_020921.4(NIN):c.3636G>A (p.Ala1212=)

Gene: NIN (ninein; minus strand). Cytogenetic location: 14q22.1.
Variant type: single nucleotide variant.
Coding change: c.3636G>A on transcript NM_020921.4 (MANE Select); coding-DNA position 3636, G replaced by A.
Protein change: p.Ala1212=; no amino-acid change (alanine 1212 retained).
Molecular consequence: synonymous variant. On other transcripts: intron variant (1).
Genome position (GRCh38, 1-based): chr14:50,757,394, C>T on the plus strand (G>A on the coding strand, the complement: NIN is on the minus strand). VCF-style: chr14-50757394-C-T. GRCh37 (hg19) VCF-style: chr14-51224112-C-T.
Other names: c.3636G>A, p.Ala1212= (NM_182944.3, NM_182946.2); c.2399+2463G>A (NM_016350.5).
Identifiers: ClinVar variation 736589 (VCV000736589.15), dbSNP rs775321986, ClinGen allele CA7181705.
Genomic context (GRCh38, chr14:50,757,394, plus strand): 5'-TTTTAGCACAGAAACATCAAAAAGTAGGTCCTGTTTCTTTTCAGAAGCTCGATCACAGTC[C>T]GCACATAACATCATTAGCTGTTCCTGAAGCTGACTAATCTGATTCTTCAGCTCCCAGGAT-3'
Protein context (NP_065972.4, residues 1202-1222): QLQEQLMMLC[Ala1212=]DCDRASEKKQ

ClinVar aggregate classification (germline): Likely benign. Review status: criteria provided, multiple submitters, no conflicts (2 of 4 stars). 2 submissions from 2 submitters: Likely benign (2). Last evaluated 2025-06-01.

Allele frequency attached by ClinVar (database versions not stated): ExAC 0.00008; TOPMed 0.00003; gnomAD 0.00005; gnomAD exomes 0.00006.
gnomAD v4.1: 88 of 1,613,968 alleles (0.0055%); highest among the groups gnomAD compares: East Asian, 0.022%; no homozygotes.

Submissions (2):

Labcorp Genetics (formerly Invitae), Labcorp
Classification: Likely benign. Last evaluated: 2025-06-01. Review status: criteria provided, single submitter. Criteria: Invitae Variant Classification Sherloc (09022015). Collection method: clinical testing. Allele origin: germline.

CeGaT Center for Human Genetics Tuebingen
Classification: Likely benign. Last evaluated: 2025-05-01. Review status: criteria provided, single submitter. Criteria: CeGaT Center For Human Genetics Tuebingen Variant Classification Criteria Version 2. Collection method: clinical testing. Allele origin: germline. Affected: yes. Observed: 1 variant allele.
Comment: NIN: BP4, BP7